The following is an entry in ClinVar:

ClinVar aggregate classification (germline): Uncertain significance. Review status: criteria provided, multiple submitters, no conflicts (2 of 4 stars). 4 submissions from 4 submitters: Uncertain significance (4). Last evaluated 2025-04-04.

Conditions:
Cortical dysplasia-focal epilepsy syndrome (PTHSL1). Also called: Pitt-Hopkins-like syndrome 1. Identifiers: Orphanet 163681, Orphanet 221150, MedGen C2750246, MONDO:0012400, OMIM 610042.
Inborn genetic diseases. Identifiers: MedGen C0950123, MeSH D030342.

Allele frequency attached by ClinVar (database versions not stated): gnomAD exomes 0.00001; TOPMed 0.00001.
gnomAD v4.1: 3 of 1,612,502 alleles (0.00019%); highest among the groups gnomAD compares: Admixed American, 0.005%; no homozygotes.

Submissions (4):

Ambry Genetics
Classification: Uncertain significance for Inborn genetic diseases. Last evaluated: 2025-04-04. Review status: criteria provided, single submitter. Criteria: Ambry Variant Classification Scheme 2023. Collection method: clinical testing. Allele origin: germline.

Labcorp Genetics (formerly Invitae), Labcorp
Classification: Uncertain significance for Cortical dysplasia-focal epilepsy syndrome. Last evaluated: 2023-12-11. Review status: criteria provided, single submitter. Criteria: Invitae Variant Classification Sherloc (09022015). Collection method: clinical testing. Allele origin: germline.
Comment: This sequence change replaces proline, which is neutral and non-polar, with threonine, which is neutral and polar, at codon 515 of the CNTNAP2 protein (p.Pro515Thr). This variant is not present in population databases (gnomAD no frequency). This variant has not been reported in the literature in individuals affected with CNTNAP2-related conditions. ClinVar contains an entry for this variant (Variation ID: 420466). An algorithm developed to predict the effect of missense changes on protein structure and function (PolyPhen-2) suggests that this variant¬†is likely to be tolerated. In summary, the available evidence is currently insufficient to determine the role of this variant in disease. Therefore, it has been classified as a Variant of Uncertain Significance.

Blueprint Genetics
Classification: Uncertain significance. Last evaluated: 2018-08-02. Review status: criteria provided, single submitter. Criteria: ACMG Guidelines, 2015. Collection method: clinical testing. Allele origin: germline.

GeneDx
Classification: Uncertain significance. Last evaluated: 2016-02-19. Review status: criteria provided, single submitter. Criteria: GeneDx Variant Classification (06012015). Collection method: clinical testing. Allele origin: germline. Affected: yes.
Comment: A variant of uncertain significance has been identified in the CNTNAP2 gene. The c.1543 C>A variant has not been published as a pathogenic variant, nor has it been reported as a benign variant to our knowledge. It was not observed in approximately 6,500 individuals of European and African American ancestry in the NHLBI Exome Sequencing Project, indicating it is not a common benign variant in these populations. Several in-silico splice prediction models predict that c.1543 C>A enhances a cryptic acceptor site which may supplant the natural acceptor site and lead to abnormal gene splicing. However, in the absence of RNA/functional studies, the actual effect of this sequence change in this individual is unknown. If c.1543 C>A does not alter splicing, it will result in the P515T missense change. The P515T variant is a non-conservative amino acid substitution, which is likely to impact secondary protein structure as these residues differ in polarity, charge, size and/or other properties. However, this substitution occurs at a position that is not conserved. In silico analysis is inconsistent in its predictions as to whether or not the variant is damaging to the protein structure/function. Therefore, based on the currently available information, it is unclear whether this variant is a pathogenic variant or a rare benign variant.

NM_014141.6(CNTNAP2):c.1543C>A (p.Pro515Thr)

Gene: CNTNAP2 (contactin associated protein 2; plus strand). Cytogenetic location: 7q35.
Variant type: single nucleotide variant.
Coding change: c.1543C>A on transcript NM_014141.6 (MANE Select); coding-DNA position 1543, C replaced by A.
Protein change: p.Pro515Thr; replaces proline 515 with threonine.
Molecular consequence: missense variant.
Genome position (GRCh38, 1-based): chr7:147,395,653, C>A. VCF-style: chr7-147395653-C-A. GRCh37 (hg19) VCF-style: chr7-147092745-C-A.
Other names: short protein forms P515T.
Identifiers: ClinVar variation 420466 (VCV000420466.12), dbSNP rs1064794493, ClinGen allele CA16618378.